The following is an entry in ClinVar:

Conditions:
Breast-ovarian cancer, familial, susceptibility to, 1 (BROVCA1). Also called: BRCA1 Hereditary Breast and Ovarian Cancer; OVARIAN CANCER, SUSCEPTIBILITY TO. Identifiers: Orphanet 145, MedGen C2676676, MONDO:0011450, OMIM 604370. Disease mechanism: loss of function.

Submission:

Brotman Baty Institute, University of Washington
No classification provided (evidence only). Condition: Breast-ovarian cancer, familial 1. Review status: no classification provided. Collection method: in vitro. Allele origin: not applicable. Functional consequence: functionally_normal.
ClinVar note: "not provided" was previously submitted as the classification for the variant. However, the classification appeared to be based only on an observation of functional data so it was converted to no classification on 2025-07-30.

NM_007294.4(BRCA1):c.5193+12A>G

Gene: BRCA1 (BRCA1 DNA repair associated; minus strand). Cytogenetic location: 17q21.31.
Variant type: single nucleotide variant.
Coding change: c.5193+12A>G on transcript NM_007294.4 (MANE Select); 12 bases into the intron after coding-DNA position 5193, A replaced by G.
Molecular consequence: intron variant.
Genome position (GRCh38, 1-based): chr17:43,063,321, T>C on the plus strand (A>G on the coding strand, the complement: BRCA1 is on the minus strand). VCF-style: chr17-43063321-T-C. GRCh37 (hg19) VCF-style: chr17-41215338-T-C.
Other names: c.4983+12A>G (NM_001407884.1, NM_001407879.1, NM_001407882.1 and 5 more transcripts); c.5181+12A>G (NM_001407646.1); c.1755+12A>G (NM_001408445.1, NM_001408450.1, NM_001408447.1 and 2 more transcripts); c.1758+12A>G (NM_001408432.1, NM_001408443.1, NM_001408439.1 and 10 more transcripts); c.5064+12A>G (NM_001407689.1, NM_001407681.1, NM_001407687.1 and 6 more transcripts); c.5067+12A>G (NM_001407670.1, NM_001407675.1, NM_001407680.1 and 10 more transcripts); c.1761+12A>G (NM_001408431.1, NM_001408425.1, NM_001408428.1 and 4 more transcripts); c.1764+12A>G (NM_001408424.1, NM_001408422.1, NM_001408423.1 and 1 more transcripts); and 72 more.
Identifiers: ClinVar variation 867802 (VCV000867802.3), dbSNP rs2051851343, ClinGen allele CA916080018.